The following is an entry in ClinVar:

ClinVar aggregate classification (germline): Uncertain significance (1 of 4 stars; one submission).

gnomAD v4.1: 1 of 1,491,140 alleles (0.000067%); highest among the groups gnomAD compares: Non-Finnish European, 0.00009%; no homozygotes.

Submission:

GeneDx
Classification: Uncertain significance. Last evaluated: 2023-04-13. Review status: criteria provided, single submitter. Criteria: GeneDx Variant Classification Process June 2021. Collection method: clinical testing. Allele origin: germline. Affected: yes.
Comment: Has not been previously published as pathogenic or benign to our knowledge; Not observed at significant frequency in large population cohorts (gnomAD); Canonical splice site variant in a gene or region of a gene for which loss of function is not a well-established mechanism of disease

NM_001035.3(RYR2):c.1477-2A>G

Gene: RYR2 (ryanodine receptor 2; plus strand). Cytogenetic location: 1q43.
Variant type: single nucleotide variant.
Coding change: c.1477-2A>G on transcript NM_001035.3 (MANE Select); the canonical splice acceptor site of the intron before coding-DNA position 1477, A replaced by G.
Molecular consequence: splice acceptor variant.
Genome position (GRCh38, 1-based): chr1:237,456,598, A>G. VCF-style: chr1-237456598-A-G. GRCh37 (hg19) VCF-style: chr1-237619898-A-G.
Identifiers: ClinVar variation 3343099 (VCV003343099.1).